The following is an entry in ClinVar:

ClinVar aggregate classification (germline): Uncertain significance (1 of 4 stars; one submission).

Conditions:
Inborn genetic diseases. Identifiers: MedGen C0950123, MeSH D030342.

gnomAD v4.1: 1 of 1,614,124 alleles (0.000062%); no homozygotes.

Submission:

Ambry Genetics
Classification: Uncertain significance for Inborn genetic diseases. Last evaluated: 2025-09-18. Review status: criteria provided, single submitter. Criteria: Ambry Variant Classification Scheme 2023. Collection method: clinical testing. Allele origin: germline.
Comment: The p.C465Y variant (also known as c.1394G>A), located in coding exon 15 of the FANCA gene, results from a G to A substitution at nucleotide position 1394. The cysteine at codon 465 is replaced by tyrosine, an amino acid with highly dissimilar properties. This amino acid position is conserved. In addition, the in silico prediction for this alteration is inconclusive. Based on the available evidence, the clinical significance of this variant remains unclear.

NM_000135.4(FANCA):c.1394G>A (p.Cys465Tyr)

Gene: FANCA (FA complementation group A; minus strand). Cytogenetic location: 16q24.3.
Variant type: single nucleotide variant.
Coding change: c.1394G>A on transcript NM_000135.4 (MANE Select); coding-DNA position 1394, G replaced by A.
Protein change: p.Cys465Tyr; replaces cysteine 465 with tyrosine.
Molecular consequence: missense variant.
Genome position (GRCh38, 1-based): chr16:89,784,930, C>T on the plus strand (G>A on the coding strand, the complement: FANCA is on the minus strand). VCF-style: chr16-89784930-C-T. GRCh37 (hg19) VCF-style: chr16-89851338-C-T.
Other names: c.1394G>A, p.Cys465Tyr (NM_001286167.3); short protein forms C465Y.
Identifiers: ClinVar variation 4619149 (VCV004619149.1).